The following is an entry in ClinVar:

NM_000540.3(RYR1):c.4366T>C (p.Tyr1456His)

Gene: RYR1 (ryanodine receptor 1; plus strand). Cytogenetic location: 19q13.2.
Variant type: single nucleotide variant.
Coding change: c.4366T>C on transcript NM_000540.3 (MANE Select); coding-DNA position 4366, T replaced by C.
Protein change: p.Tyr1456His; replaces tyrosine 1456 with histidine.
Molecular consequence: missense variant.
Genome position (GRCh38, 1-based): chr19:38,477,782, T>C. VCF-style: chr19-38477782-T-C. GRCh37 (hg19) VCF-style: chr19-38968422-T-C.
Other names: NM_000540.3(RYR1):c.4366T>C; p.Tyr1456His; c.4366T>C, p.Tyr1456His (NM_001042723.2); short protein forms Y1456H.
Identifiers: ClinVar variation 1306986 (VCV001306986.2), dbSNP rs2145502626, ClinGen allele CA405645929.
Genomic context (GRCh38, chr19:38,477,782, plus strand): 5'-GTGAGGGTCTTTGCTGGACAGGAGCCCAGCTGCGTGTGGGCGGGCTGGGTCACCCCTGAC[T>C]ACCATCAGCACGACATGAGCTTCGACCTCAGCAAGGTCCGGGTCGTGACGGTGACCATGG-3'
Protein context (NP_000531.2, residues 1446-1466): CVWAGWVTPD[Tyr1456His]HQHDMSFDLS

ClinVar aggregate classification (germline): Uncertain significance. Review status: criteria provided, multiple submitters, no conflicts (2 of 4 stars). 2 submissions from 2 submitters: Uncertain significance (2). Last evaluated 2024-11-22.

Conditions:
RYR1-related myopathy. Identifiers: Orphanet 98742, MedGen CN305348, MONDO:0100150.

Submissions (2):

Broad Center for Mendelian Genomics, Broad Institute of MIT and Harvard
Classification: Uncertain significance for RYR1-related myopathy. Last evaluated: 2024-11-22. Review status: criteria provided, single submitter. Criteria: ACMG Guidelines, 2015. Collection method: curation. Allele origin: germline. Inheritance: Autosomal recessive inheritance. Study: GREGoR Consortium.
Comment: The heterozygous p.Tyr1456His variant in RYR1 was identified by our study in 2 siblings with RYR1-related myopathy, in the compound heterozygous state, along with another variant of uncertain significance (Variation ID: 1306987). Trio exome analysis revealed that this variant was in trans with the VUS. These individuals also carried another variant of uncertain significance in cis with the p.Tyr1456His variant (Variation ID: 930890). The p.Tyr1456His variant in RYR1 has not been previously reported in the literature in individuals with RYR1-related myopathy, and was absent from large population studies. This variant has also been reported in ClinVar (Variation ID: 1306986) and has been interpreted as a variant of uncertain significance by GeneDx. Computational prediction tools and conservation analyses do not provide strong support for or against an impact to the protein. The number of missense variants reported in RYR1 in the general population is lower than expected, suggesting there is little benign variation in this gene and slightly increasing the possibility that a missense variant in this gene may not be tolerated. In summary, the clinical significance of the p.Tyr1456His variant is uncertain. ACMG/AMP Criteria applied: PP2, PM2_supporting (Richards 2015).

GeneDx
Classification: Uncertain significance. Last evaluated: 2019-07-02. Review status: criteria provided, single submitter. Criteria: GeneDx Variant Classification Process June 2021. Collection method: clinical testing. Allele origin: germline. Affected: yes.
Comment: Not observed in large population cohorts (Lek et al., 2016); In silico analysis, which includes protein predictors and evolutionary conservation, supports a deleterious effect; Has not been previously published as pathogenic or benign to our knowledge